The following is an entry in ClinVar:

NM_001206744.2(TPO):c.2299T>C (p.Ser767Pro)

Genes: TPO (thyroid peroxidase; plus strand), LALTOP (lung cancer associated lncRNA targeting TOP2A; minus strand). Cytogenetic location: 2p25.3.
Variant type: single nucleotide variant.
Coding change: c.2299T>C on transcript NM_001206744.2 (MANE Select); coding-DNA position 2299, T replaced by C.
Protein change: p.Ser767Pro; replaces serine 767 with proline.
Molecular consequence: missense variant.
Genome position (GRCh38, 1-based): chr2:1,496,678, T>C. VCF-style: chr2-1496678-T-C. GRCh37 (hg19) VCF-style: chr2-1500450-T-C.
Other names: c.2299T>C, p.Ser767Pro (NM_000547.6, NM_175721.3); c.2128T>C, p.Ser710Pro (NM_001206745.2, NM_175719.4); c.1780T>C, p.Ser594Pro (NM_175722.3); short protein forms S594P, S710P, S767P.
Identifiers: ClinVar variation 1028338 (VCV001028338.1), dbSNP rs1672384154, ClinGen allele CA345699356.
Genomic context (GRCh38, chr2:1,496,678, plus strand): 5'-AGCGTGGAGAATGGGGACTTTGTGCACTGTGAGGAGTCTGGGAGGCGCGTGCTGGTGTAT[T>C]CCTGCCGGCACGGGTATGAGCTCCAAGGCCGGGAGCAGCTCACTTGCACCCAGGAAGGAT-3'
Protein context (NP_001193673.1, residues 757-777): EESGRRVLVY[Ser767Pro]CRHGYELQGR

ClinVar aggregate classification (germline): Uncertain significance (1 of 4 stars; one submission).

Conditions:
Deficiency of iodide peroxidase (TDH2A). Also called: HYPOTHYROIDISM, CONGENITAL, DUE TO DYSHORMONOGENESIS, 2A; IODIDE PEROXIDASE DEFICIENCY; THYROID HORMONOGENESIS, GENETIC DEFECT IN, 2A; THYROID PEROXIDASE DEFICIENCY; Thyroid dyshormonogenesis 2A. Identifiers: Orphanet 95716, MedGen C1291299, MONDO:0010133, OMIM 274500.

Submission:

Baylor Genetics
Classification: Uncertain significance for Deficiency of iodide peroxidase. Last evaluated: 2019-12-06. Review status: criteria provided, single submitter. Criteria: ACMG Guidelines, 2015. Collection method: clinical testing. Allele origin: unknown. Affected: yes.
Comment: This variant was determined to be of uncertain significance according to ACMG Guidelines, 2015 [PMID:25741868].